The following is an entry in ClinVar:

ClinVar aggregate classification (germline): Uncertain significance (1 of 4 stars; one submission).

Conditions:
Left ventricular noncompaction 8 (LVNC8). Identifiers: Orphanet 154, Orphanet 54260, MedGen C3809288, MONDO:0014152, OMIM 615373.

Submission:

Labcorp Genetics (formerly Invitae), Labcorp
Classification: Uncertain significance for Left ventricular noncompaction 8. Last evaluated: 2025-07-27. Review status: criteria provided, single submitter. Criteria: Invitae Variant Classification Sherloc (09022015). Collection method: clinical testing. Allele origin: germline.
Comment: This sequence change replaces proline, which is neutral and non-polar, with threonine, which is neutral and polar, at codon 67 of the PRDM16 protein (p.Pro67Thr). This variant is not present in population databases (gnomAD no frequency). This variant has not been reported in the literature in individuals affected with PRDM16-related conditions. An algorithm developed to predict the effect of missense changes on protein structure and function (PolyPhen-2) suggests that this variant is likely to be disruptive. In summary, the available evidence is currently insufficient to determine the role of this variant in disease. Therefore, it has been classified as a Variant of Uncertain Significance.

NM_022114.4(PRDM16):c.199C>A (p.Pro67Thr)

Gene: PRDM16 (PR/SET domain 16; plus strand). Cytogenetic location: 1p36.32.
Variant type: single nucleotide variant.
Coding change: c.199C>A on transcript NM_022114.4 (MANE Select); coding-DNA position 199, C replaced by A.
Protein change: p.Pro67Thr; replaces proline 67 with threonine.
Molecular consequence: missense variant.
Genome position (GRCh38, 1-based): chr1:3,186,286, C>A. VCF-style: chr1-3186286-C-A. GRCh37 (hg19) VCF-style: chr1-3102850-C-A.
Other names: c.199C>A, p.Pro67Thr (NM_199454.3); short protein forms P67T.
Identifiers: ClinVar variation 4797063 (VCV004797063.1).